The following is an entry in ClinVar:

ClinVar aggregate classification (germline): Uncertain significance. Review status: criteria provided, multiple submitters, no conflicts (2 of 4 stars). 2 submissions from 2 submitters: Uncertain significance (2). Last evaluated 2025-10-02.

Conditions:
Pityriasis rubra pilaris (PRP). Also called: Pityriasis rubra pilaris--familial type. Identifiers: Orphanet 2897, MedGen C0032027, MONDO:0100017, OMIM 173200, MONDO:0008251.
Psoriasis 2. Identifiers: MedGen C1864497, MONDO:0011269, OMIM 602723.
Inborn genetic diseases. Identifiers: MedGen C0950123, MeSH D030342.

Allele frequency attached by ClinVar (database versions not stated): gnomAD exomes below 0.00001; gnomAD 0.00001; TOPMed 0.00001.
gnomAD v4.1: 7 of 1,565,802 alleles (0.00045%); highest among the groups gnomAD compares: East Asian, 0.0023%; no homozygotes.

Submissions (2):

Ambry Genetics
Classification: Uncertain significance for Inborn genetic diseases. Last evaluated: 2025-10-02. Review status: criteria provided, single submitter. Criteria: Ambry Variant Classification Scheme 2023. Collection method: clinical testing. Allele origin: germline.

Labcorp Genetics (formerly Invitae), Labcorp
Classification: Uncertain significance for Pityriasis rubra pilaris; Psoriasis 2. Last evaluated: 2024-10-11. Review status: criteria provided, single submitter. Criteria: Invitae Variant Classification Sherloc (09022015). Collection method: clinical testing. Allele origin: germline.
Comment: This sequence change replaces arginine, which is basic and polar, with histidine, which is basic and polar, at codon 888 of the CARD14 protein (p.Arg888His). The frequency data for this variant in the population databases is considered unreliable, as metrics indicate poor data quality at this position in the gnomAD database. This variant has not been reported in the literature in individuals affected with CARD14-related conditions. Invitae Evidence Modeling of protein sequence and biophysical properties (such as structural, functional, and spatial information, amino acid conservation, physicochemical variation, residue mobility, and thermodynamic stability) indicates that this missense variant is not expected to disrupt CARD14 protein function with a negative predictive value of 95%. In summary, the available evidence is currently insufficient to determine the role of this variant in disease. Therefore, it has been classified as a Variant of Uncertain Significance.

NM_001366385.1(CARD14):c.2663G>A (p.Arg888His)

Genes: SGSH (N-sulfoglucosamine sulfohydrolase; minus strand), CARD14 (caspase recruitment domain family member 14; plus strand), LOC126862662 (MED14-independent group 3 enhancer GRCh37_chr17:78178385-78179584; plus strand). Cytogenetic location: 17q25.3.
Variant type: single nucleotide variant.
Coding change: c.2663G>A on transcript NM_001366385.1 (MANE Select); coding-DNA position 2663, G replaced by A.
Protein change: p.Arg888His; replaces arginine 888 with histidine.
Molecular consequence: missense variant. On other transcripts: non-coding transcript variant (1).
Genome position (GRCh38, 1-based): chr17:80,205,624, G>A. VCF-style: chr17-80205624-G-A. GRCh37 (hg19) VCF-style: chr17-78179423-G-A.
Other names: c.2663G>A, p.Arg888His (NM_024110.4); c.2663G>A (NM_024110.3); short protein forms R888H.
Identifiers: ClinVar variation 2928295 (VCV002928295.4), dbSNP rs965855312, ClinGen allele CA294883810.